The following is an entry in ClinVar:

NM_001040151.2(SCN3B):c.197C>T (p.Pro66Leu)

Gene: SCN3B (sodium voltage-gated channel beta subunit 3; minus strand). Cytogenetic location: 11q24.1.
Variant type: single nucleotide variant.
Coding change: c.197C>T on transcript NM_001040151.2 (MANE Select); coding-DNA position 197, C replaced by T.
Protein change: p.Pro66Leu; replaces proline 66 with leucine.
Molecular consequence: missense variant.
Genome position (GRCh38, 1-based): chr11:123,645,609, G>A on the plus strand (C>T on the coding strand, the complement: SCN3B is on the minus strand). VCF-style: chr11-123645609-G-A. GRCh37 (hg19) VCF-style: chr11-123516317-G-A.
Other names: c.197C>T, p.Pro66Leu (NM_018400.4); short protein forms P66L.
Identifiers: ClinVar variation 1783779 (VCV001783779.3), dbSNP rs112044922, ClinGen allele CA383072974.
Genomic context (GRCh38, chr11:123,645,609, plus strand): 5'-CCAGCAGAAGAAAGGCCAGAGTCAGCAGTCTAACATACAAGGAAATCTTTACCGCCCTCG[G>A]GCCTGTAGAACCATTCCACCACCGTGGTGGCCTCCACCTCCTCTCTCTTCATGCAGGAGA-3'
Protein context (NP_001035241.1, residues 56-76): ATTVVEWFYR[Pro66Leu]EGGKDFLIYE

ClinVar aggregate classification (germline): Uncertain significance (1 of 4 stars; one submission).

Conditions:
Cardiovascular phenotype. Identifiers: MedGen CN230736.

Allele frequency attached by ClinVar (database versions not stated): gnomAD exomes below 0.00001; TOPMed 0.00001.
gnomAD v4.1: 2 of 1,614,118 alleles (0.00012%); highest among the groups gnomAD compares: Admixed American, 0.0033%; no homozygotes.

Submission:

Ambry Genetics
Classification: Uncertain significance for Cardiovascular phenotype. Last evaluated: 2025-10-27. Review status: criteria provided, single submitter. Criteria: Ambry Variant Classification Scheme 2023. Collection method: clinical testing. Allele origin: germline.
Comment: The p.P66L variant (also known as c.197C>T), located in coding exon 2 of the SCN3B gene, results from a C to T substitution at nucleotide position 197. The proline at codon 66 is replaced by leucine, an amino acid with similar properties. This amino acid position is well conserved in available vertebrate species. In addition, the in silico prediction for this alteration is inconclusive. Since supporting evidence is limited at this time, the clinical significance of this alteration remains unclear.